The following is an entry in ClinVar:

NM_001009944.3(PKD1):c.99C>A (p.Cys33Ter)

Gene: PKD1 (polycystin 1, transient receptor potential channel interacting; minus strand). Cytogenetic location: 16p13.3.
Variant type: single nucleotide variant.
Coding change: c.99C>A on transcript NM_001009944.3 (MANE Select); coding-DNA position 99, C replaced by A.
Protein change: p.Cys33Ter; replaces cysteine 33 with a stop codon.
Molecular consequence: nonsense.
Genome position (GRCh38, 1-based): chr16:2,135,591, G>T on the plus strand (C>A on the coding strand, the complement: PKD1 is on the minus strand). VCF-style: chr16-2135591-G-T. GRCh37 (hg19) VCF-style: chr16-2185592-G-T.
Other names: c.99C>A, p.Cys33Ter (NM_000296.4); short protein forms C33*.
Identifiers: ClinVar variation 873351 (VCV000873351.1), dbSNP rs2092941253, ClinGen allele CA394282744.

ClinVar aggregate classification (germline): Pathogenic (1 of 4 stars; one submission).

Conditions:
Polycystic kidney disease, adult type (PKD1). Also called: POLYCYSTIC KIDNEY DISEASE 1 WITH OR WITHOUT POLYCYSTIC LIVER DISEASE; Polycystic Kidney Disease 1, Autosomal Dominant; Polycystic kidney disease 1; Polycystic kidney disease 1, severe; Polycystic Kidney, Autosomal Dominant; POLYCYSTIC KIDNEY DISEASE, ADULT, TYPE I. Identifiers: MedGen C3149841, MONDO:0008263, OMIM 173900.

Submission:

Cavalleri Lab, Royal College of Surgeons in Ireland
Classification: Pathogenic for Polycystic kidney disease, adult type. Last evaluated: 2020-02-05. Review status: criteria provided, single submitter. Criteria: ACMG Guidelines, 2015. Collection method: research. Allele origin: unknown. Inheritance: Autosomal dominant inheritance. Affected: yes.
Comment: PVS1, PM2, PP4